The following is an entry in ClinVar:

ClinVar aggregate classification (germline): Uncertain significance (1 of 4 stars; one submission).

Conditions:
Ullrich congenital muscular dystrophy 2 (UCMD2). Identifiers: Orphanet 75840, MedGen C4225314, MONDO:0014654, OMIM 616470.
Bethlem myopathy 2 (BTHLM2). Identifiers: Orphanet 536516, Orphanet 610, MedGen C4225313, MONDO:0034022, OMIM 616471.

Submission:

Labcorp Genetics (formerly Invitae), Labcorp
Classification: Uncertain significance for Bethlem myopathy 2; Ullrich congenital muscular dystrophy 2. Last evaluated: 2024-12-10. Review status: criteria provided, single submitter. Criteria: Invitae Variant Classification Sherloc (09022015). Collection method: clinical testing. Allele origin: germline.
Comment: This sequence change replaces leucine, which is neutral and non-polar, with proline, which is neutral and non-polar, at codon 2799 of the COL12A1 protein (p.Leu2799Pro). This variant is not present in population databases (gnomAD no frequency). This variant has not been reported in the literature in individuals affected with COL12A1-related conditions. Invitae Evidence Modeling of protein sequence and biophysical properties (such as structural, functional, and spatial information, amino acid conservation, physicochemical variation, residue mobility, and thermodynamic stability) indicates that this missense variant is not expected to disrupt COL12A1 protein function with a negative predictive value of 80%. In summary, the available evidence is currently insufficient to determine the role of this variant in disease. Therefore, it has been classified as a Variant of Uncertain Significance.

NM_004370.6(COL12A1):c.8396T>C (p.Leu2799Pro)

Gene: COL12A1 (collagen type XII alpha 1 chain; minus strand). Cytogenetic location: 6q13.
Variant type: single nucleotide variant.
Coding change: c.8396T>C on transcript NM_004370.6 (MANE Select); coding-DNA position 8396, T replaced by C.
Protein change: p.Leu2799Pro; replaces leucine 2799 with proline.
Molecular consequence: missense variant.
Genome position (GRCh38, 1-based): chr6:75,102,616, A>G on the plus strand (T>C on the coding strand, the complement: COL12A1 is on the minus strand). VCF-style: chr6-75102616-A-G. GRCh37 (hg19) VCF-style: chr6-75812332-A-G.
Other names: c.8396T>C, p.Leu2799Pro (NM_001424113.1); c.8375T>C, p.Leu2792Pro (NM_001424114.1); c.8123T>C, p.Leu2708Pro (NM_001424115.1); c.4904T>C, p.Leu1635Pro (NM_001424116.1, NM_080645.3); short protein forms L1635P, L2708P, L2792P, L2799P.
Identifiers: ClinVar variation 3757987 (VCV003757987.2).